The following is an entry in ClinVar:

NM_015450.3(POT1):c.613G>A (p.Gly205Ser)

Gene: POT1 (protection of telomeres 1; minus strand). Cytogenetic location: 7q31.33.
Variant type: single nucleotide variant.
Coding change: c.613G>A on transcript NM_015450.3 (MANE Select); coding-DNA position 613, G replaced by A.
Protein change: p.Gly205Ser; replaces glycine 205 with serine.
Molecular consequence: missense variant. On other transcripts: non-coding transcript variant (3).
Genome position (GRCh38, 1-based): chr7:124,859,046, C>T on the plus strand (G>A on the coding strand, the complement: POT1 is on the minus strand). VCF-style: chr7-124859046-C-T. GRCh37 (hg19) VCF-style: chr7-124499100-C-T.
Other names: c.220G>A, p.Gly74Ser (NM_001042594.2); short protein forms G205S, G74S.
Identifiers: ClinVar variation 1393683 (VCV001393683.6), dbSNP rs2116526101, ClinGen allele CA369056515.

ClinVar aggregate classification (germline): Uncertain significance (1 of 4 stars; one submission).

Conditions:
Tumor predisposition syndrome 3 (TPDS3). Also called: Melanoma, cutaneous malignant, susceptibility to, 10; Glioma susceptibility 9; LONG TELOMERE SYNDROME, POT1-RELATED; POT1 Tumor Predisposition. Identifiers: Orphanet 618, MedGen C4014476, MONDO:0014368, OMIM 615848.

Submission:

Labcorp Genetics (formerly Invitae), Labcorp
Classification: Uncertain significance for Tumor predisposition syndrome 3. Last evaluated: 2021-11-29. Review status: criteria provided, single submitter. Criteria: Invitae Variant Classification Sherloc (09022015). Collection method: clinical testing. Allele origin: germline.
Comment: Algorithms developed to predict the effect of sequence changes on RNA splicing suggest that this variant may create or strengthen a splice site. In summary, the available evidence is currently insufficient to determine the role of this variant in disease. Therefore, it has been classified as a Variant of Uncertain Significance. This sequence change replaces glycine, which is neutral and non-polar, with serine, which is neutral and polar, at codon 205 of the POT1 protein (p.Gly205Ser). This variant is not present in population databases (gnomAD no frequency). This variant has not been reported in the literature in individuals affected with POT1-related conditions. Algorithms developed to predict the effect of missense changes on protein structure and function are either unavailable or do not agree on the potential impact of this missense change (SIFT: "Deleterious"; PolyPhen-2: "Benign"; Align-GVGD: "Class C55").